The following is an entry in ClinVar:

NM_004360.5(CDH1):c.978C>G (p.Ile326Met)

Gene: CDH1 (cadherin 1; plus strand). Cytogenetic location: 16q22.1.
Variant type: single nucleotide variant.
Coding change: c.978C>G on transcript NM_004360.5 (MANE Select); coding-DNA position 978, C replaced by G.
Protein change: p.Ile326Met; replaces isoleucine 326 with methionine.
Molecular consequence: missense variant. On other transcripts: 5 prime UTR variant (2).
Genome position (GRCh38, 1-based): chr16:68,811,829, C>G. VCF-style: chr16-68811829-C-G. GRCh37 (hg19) VCF-style: chr16-68845732-C-G.
Other names: c.978C>G, p.Ile326Met (NM_001317184.2); c.-638C>G (NM_001317185.2); c.-842C>G (NM_001317186.2); short protein forms I326M.
Identifiers: ClinVar variation 928053 (VCV000928053.4), dbSNP rs1960842618, ClinGen allele CA396459849.

ClinVar aggregate classification (germline): Uncertain significance (1 of 4 stars; one submission).

Conditions:
Hereditary cancer-predisposing syndrome. Also called: Neoplastic Syndromes, Hereditary; Hereditary Cancer Syndrome; Tumor predisposition; Hereditary neoplastic syndrome. Identifiers: Orphanet 140162, MedGen C0027672, MeSH D009386, MONDO:0015356.

gnomAD v4.1: 1 of 1,614,184 alleles (0.000062%); no homozygotes.

Submission:

Color Diagnostics, LLC DBA Color Health
Classification: Uncertain significance for Hereditary cancer-predisposing syndrome. Last evaluated: 2023-12-05. Review status: criteria provided, single submitter. Criteria: ACMG Guidelines, 2015. Collection method: clinical testing. Allele origin: germline.
Comment: This missense variant replaces isoleucine with methionine at codon 326 of the CDH1 protein. To our knowledge, functional studies have not been reported for this variant. This variant has not been reported in individuals affected with CDH1-related disorders in the literature. This variant has not been identified in the general population by the Genome Aggregation Database (gnomAD). The available evidence is insufficient to determine the role of this variant in disease conclusively. Therefore, this variant is classified as a Variant of Uncertain Significance.